The following is an entry in ClinVar:

NM_000051.4(ATM):c.4280del (p.Ala1427fs)

Gene: ATM (ATM serine/threonine kinase; plus strand). Cytogenetic location: 11q22.3.
Variant type: Deletion.
Coding change: c.4280del on transcript NM_000051.4 (MANE Select); coding-DNA position 4280, one base deleted (C; older notation c.4280delC).
Protein change: p.Ala1427fs; shifts the reading frame from alanine 1427.
Molecular consequence: frameshift variant.
Genome position (GRCh38, 1-based): chr11:108,289,645, C deleted. VCF-style (leftmost placement, unchanged base first): chr11-108289644-GC-G. GRCh37 (hg19) VCF-style: chr11-108160371-GC-G.
Other names: c.4280delC (NM_000051.3); c.4280del, p.Ala1427fs (NM_001351834.2); short protein forms A1427fs.
Identifiers: ClinVar variation 664824 (VCV000664824.6), dbSNP rs1591662758, ClinGen allele CA915944416.

ClinVar aggregate classification (germline): Pathogenic (1 of 4 stars; one submission).

Conditions:
Ataxia-telangiectasia syndrome (AT). Also called: Ataxia-telangiectasia, complementation group D; AT, COMPLEMENTATION GROUP C; Ataxia telangiectasia (A-T); Cerebello-oculocutaneous telangiectasia; Immunodeficiency with ataxia telangiectasia; ATAXIA-TELANGIECTASIA, COMPLEMENTATION GROUP A. Identifiers: Orphanet 100, MedGen C0004135, MONDO:0008840, OMIM 208900.

Submission:

Labcorp Genetics (formerly Invitae), Labcorp
Classification: Pathogenic for Ataxia-telangiectasia syndrome. Last evaluated: 2018-08-20. Review status: criteria provided, single submitter. Criteria: Invitae Variant Classification Sherloc (09022015). Collection method: clinical testing. Allele origin: germline.
Comment: Loss-of-function variants in ATM are known to be pathogenic (PMID: 23807571, 25614872). For these reasons, this variant has been classified as Pathogenic. This variant has not been reported in the literature in individuals with ATM-related disease. This variant is not present in population databases (ExAC no frequency). This sequence change creates a premature translational stop signal (p.Ala1427Valfs*24) in the ATM gene. It is expected to result in an absent or disrupted protein product.

Literature cited by the submitters: PubMed 23807571; PubMed 25614872.